The following is an entry in ClinVar:

NM_000147.5(FUCA1):c.1214A>T (p.Asn405Ile)

Gene: FUCA1 (alpha-L-fucosidase 1; minus strand). Cytogenetic location: 1p36.11.
Variant type: single nucleotide variant.
Coding change: c.1214A>T on transcript NM_000147.5 (MANE Select); coding-DNA position 1214, A replaced by T.
Protein change: p.Asn405Ile; replaces asparagine 405 with isoleucine.
Molecular consequence: missense variant. On other transcripts: non-coding transcript variant (4).
Genome position (GRCh38, 1-based): chr1:23,846,120, T>A on the plus strand (A>T on the coding strand, the complement: FUCA1 is on the minus strand). VCF-style: chr1-23846120-T-A. GRCh37 (hg19) VCF-style: chr1-24172610-T-A.
Other names: short protein forms N405I.
Identifiers: ClinVar variation 1985785 (VCV001985785.2), dbSNP rs2521617917, ClinGen allele CA339034543.

ClinVar aggregate classification (germline): Uncertain significance (1 of 4 stars; one submission).

Conditions:
Fucosidosis. Also called: ALPHA-L-FUCOSIDASE DEFICIENCY. Identifiers: Orphanet 349, MedGen C0016788, MONDO:0009254, OMIM 230000.

Submission:

Labcorp Genetics (formerly Invitae), Labcorp
Classification: Uncertain significance for Fucosidosis. Last evaluated: 2025-12-01. Review status: criteria provided, single submitter. Criteria: Invitae Variant Classification Sherloc (09022015). Collection method: clinical testing. Allele origin: germline.
Comment: This sequence change replaces asparagine, which is neutral and polar, with isoleucine, which is neutral and non-polar, at codon 405 of the FUCA1 protein (p.Asn405Ile). This variant is not present in population databases (gnomAD no frequency). This variant has not been reported in the literature in individuals affected with FUCA1-related conditions. ClinVar contains an entry for this variant (Variation ID: 1985785). Invitae Evidence Modeling of protein sequence and biophysical properties (such as structural, functional, and spatial information, amino acid conservation, physicochemical variation, residue mobility, and thermodynamic stability) indicates that this missense variant is not expected to disrupt FUCA1 protein function with a negative predictive value of 95%. In summary, the available evidence is currently insufficient to determine the role of this variant in disease. Therefore, it has been classified as a Variant of Uncertain Significance.